The following is an entry in ClinVar:

ClinVar aggregate classification (germline): Uncertain significance (1 of 4 stars; one submission).

Allele frequency attached by ClinVar (database versions not stated): gnomAD exomes below 0.00001; TOPMed below 0.00001; gnomAD 0.00001.
gnomAD v4.1: 2 of 1,613,074 alleles (0.00012%); highest among the groups gnomAD compares: African/African-American, 0.0027%; no homozygotes.

Submission:

Labcorp Genetics (formerly Invitae), Labcorp
Classification: Uncertain significance. Last evaluated: 2023-11-24. Review status: criteria provided, single submitter. Criteria: Invitae Variant Classification Sherloc (09022015). Collection method: clinical testing. Allele origin: germline.
Comment: This sequence change affects an acceptor splice site in intron 17 of the MICAL1 gene. It is expected to disrupt RNA splicing. Variants that disrupt the donor or acceptor splice site typically lead to a loss of protein function (PMID: 16199547), however the current clinical and genetic evidence is not sufficient to establish whether loss-of-function variants in MICAL1 cause disease. This variant is not present in population databases (gnomAD no frequency). This variant has not been reported in the literature in individuals affected with MICAL1-related conditions. ClinVar contains an entry for this variant (Variation ID: 1466708). Algorithms developed to predict the effect of sequence changes on RNA splicing suggest that this variant may disrupt the consensus splice site. In summary, the available evidence is currently insufficient to determine the role of this variant in disease. Therefore, it has been classified as a Variant of Uncertain Significance.

Literature cited by the submitters: PubMed 16199547.

NM_022765.4(MICAL1):c.2228-1G>A

Gene: MICAL1 (microtubule associated monooxygenase, calponin and LIM domain containing 1; minus strand). Cytogenetic location: 6q21.
Variant type: single nucleotide variant.
Coding change: c.2228-1G>A on transcript NM_022765.4 (MANE Select); the canonical splice acceptor site of the intron before coding-DNA position 2228, G replaced by A.
Molecular consequence: splice acceptor variant.
Genome position (GRCh38, 1-based): chr6:109,446,773, C>T on the plus strand (G>A on the coding strand, the complement: MICAL1 is on the minus strand). VCF-style: chr6-109446773-C-T. GRCh37 (hg19) VCF-style: chr6-109767976-C-T.
Other names: c.2285-1G>A (NM_001286613.2); c.1970-1G>A (NM_001159291.2).
Identifiers: ClinVar variation 1466708 (VCV001466708.6), dbSNP rs961905878, ClinGen allele CA145118713.